The following is an entry in ClinVar:

ClinVar aggregate classification (germline): Pathogenic (0 of 4 stars; one submission).

Conditions:
Hermansky-Pudlak syndrome 1 (HPS1). Also called: DELTA STORAGE POOL DISEASE. Identifiers: Orphanet 231500, Orphanet 79430, MedGen C2931875, MONDO:0008748, OMIM 203300.

Submission:

ISTH-SSC Genomics in Thrombosis and Hemostasis, KU Leuven, Center for Molecular and Vascular Biology
Classification: Pathogenic for Hermansky-Pudlak syndrome 1. Review status: no assertion criteria provided. Collection method: research. Allele origin: germline. Affected: yes.
Comment: Submitted to GoldVariant by Jose María Bastida from Grupo Español de Alteraciones Plaquetarias Congénitas (GEAPC), Salamanca, Spain

NM_000195.5(HPS1):c.610G>T (p.Glu204Ter)

Gene: HPS1 (HPS1 biogenesis of lysosomal organelles complex 3 subunit 1; minus strand). Cytogenetic location: 10q24.2.
Variant type: single nucleotide variant.
Coding change: c.610G>T on transcript NM_000195.5 (MANE Select); coding-DNA position 610, G replaced by T.
Protein change: p.Glu204Ter; replaces glutamic acid 204 with a stop codon.
Molecular consequence: nonsense. On other transcripts: 5 prime UTR variant (3), intron variant (5).
Genome position (GRCh38, 1-based): chr10:98,431,189, C>A on the plus strand (G>T on the coding strand, the complement: HPS1 is on the minus strand). VCF-style: chr10-98431189-C-A. GRCh37 (hg19) VCF-style: chr10-100190946-C-A.
Other names: c.-264G>T (NM_001311345.2, NM_001322489.2); c.610G>T, p.Glu204Ter (NM_001322476.2, NM_001322477.2, NM_001322478.2 and 3 more transcripts); c.241G>T, p.Glu81Ter (NM_001322483.2, NM_001322484.2, NM_001322485.2); c.-363G>T (NM_001322487.2); c.408-519G>T (NM_001322480.2, NM_001322482.2, NM_001322481.2); c.551-519G>T (NM_001322490.2, NM_001322492.2); short protein forms E204*, E81*.
Identifiers: ClinVar variation 1684357 (VCV001684357.1), dbSNP rs747607498, ClinGen allele CA378052573.